The following is an entry in ClinVar:

ClinVar aggregate classification (germline): Conflicting classifications of pathogenicity. Review status: criteria provided, conflicting classifications (1 of 4 stars). 3 submissions from 3 submitters: Uncertain significance (1); Benign (1); Likely benign (1). Last evaluated 2024-10-31.

Conditions:
PINK1-related disorder. Also called: PINK1-related condition.
Autosomal recessive early-onset Parkinson disease 6 (PARK6). Also called: PARKINSON DISEASE 6, MODIFIER OF; PARKINSON DISEASE 6, EARLY-ONSET; PINK1-Related Parkinson Disease; PINK1 Type of Young-Onset Parkinson Disease. Identifiers: Orphanet 2828, MedGen C1853833, MONDO:0011613, OMIM 605909.

Allele frequency attached by ClinVar (database versions not stated): gnomAD below 0.00001 and 0.00017; TOPMed 0.00003; gnomAD exomes 0.00033 and 0.00078; ExAC 0.00090; 1000 Genomes Project 30x 0.00156; 1000 Genomes Project 0.00180.

Submissions (4):

PreventionGenetics, part of Exact Sciences
Classification: Likely benign for PINK1-related condition. Last evaluated: 2024-10-31. Review status: criteria provided, single submitter. Criteria: ACMG Guidelines, 2015. Collection method: clinical testing. Allele origin: germline.
Comment: This variant is classified as likely benign based on ACMG/AMP sequence variant interpretation guidelines (Richards et al. 2015 PMID: 25741868, with internal and published modifications).

Labcorp Genetics (formerly Invitae), Labcorp
Classification: Benign for Autosomal recessive early-onset Parkinson disease 6. Last evaluated: 2024-08-05. Review status: criteria provided, single submitter. Criteria: Invitae Variant Classification Sherloc (09022015). Collection method: clinical testing. Allele origin: germline.

Illumina Laboratory Services, Illumina
Classification: Uncertain significance for Autosomal recessive early-onset Parkinson disease 6. Last evaluated: 2017-04-27. Review status: criteria provided, single submitter. Criteria: ICSL Variant Classification Criteria 13 December 2019. Collection method: clinical testing. Allele origin: germline.
Comment: This variant was observed as part of a predisposition screen in an ostensibly healthy population. A literature search was performed for the gene, cDNA change, and amino acid change (where applicable). Publications were found based on this search. However, the evidence from the literature, in combination with allele frequency data from public databases where available, was not sufficient to rule this variant in or out of causing disease. Therefore, this variant is classified as a variant of unknown significance.

Dr. Peter K. Rogan Lab, Western University
No classification provided (evidence only). Condition: Hepatocellular carcinoma. Review status: no classification provided. Collection method: in vitro. Allele origin: not applicable. Functional consequence: cryptic splice site, retained intron. Not counted in ClinVar's aggregate classification.

Literature cited by the submitters: PubMed 18330912 (cited by Illumina Laboratory Services, Illumina); PubMed 19889566 (cited by Illumina Laboratory Services, Illumina).

NM_032409.3(PINK1):c.827G>A (p.Arg276Gln)

Genes: PINK1 (PTEN induced kinase 1; plus strand), PINK1-AS (PINK1 antisense RNA; minus strand). Cytogenetic location: 1p36.12.
Variant type: single nucleotide variant.
Coding change: c.827G>A on transcript NM_032409.3 (MANE Select); coding-DNA position 827, G replaced by A.
Protein change: p.Arg276Gln; replaces arginine 276 with glutamine.
Molecular consequence: missense variant.
Genome position (GRCh38, 1-based): chr1:20,644,540, G>A. VCF-style: chr1-20644540-G-A. GRCh37 (hg19) VCF-style: chr1-20971033-G-A.
Other names: short protein forms R276Q.
Identifiers: ClinVar variation 787365 (VCV000787365.17), dbSNP rs548506734, ClinGen allele CA660551.